The following is an entry in ClinVar:

NM_000289.6(PFKM):c.1060G>A (p.Val354Met)

Gene: PFKM (phosphofructokinase, muscle; plus strand). Cytogenetic location: 12q13.11.
Variant type: single nucleotide variant.
Coding change: c.1060G>A on transcript NM_000289.6 (MANE Select); coding-DNA position 1060, G replaced by A.
Protein change: p.Val354Met; replaces valine 354 with methionine.
Molecular consequence: missense variant. On other transcripts: non-coding transcript variant (6), intron variant (1).
Genome position (GRCh38, 1-based): chr12:48,137,844, G>A. VCF-style: chr12-48137844-G-A. GRCh37 (hg19) VCF-style: chr12-48531627-G-A.
Other names: p.Val354Met; c.1273G>A, p.Val425Met (NM_001166686.2, NM_001354737.1, NM_001354738.1 and 1 more transcripts); c.1060G>A, p.Val354Met (NM_001166687.2, NM_001166688.2, NM_001354742.2 and 2 more transcripts); c.1369G>A, p.Val457Met (NM_001354735.1, NM_001354736.1); c.1204G>A, p.Val402Met (NM_001354740.1); c.1084G>A, p.Val362Met (NM_001354741.2); c.973G>A, p.Val325Met (NM_001354745.2); c.910G>A, p.Val304Met (NM_001354747.2, NM_001354748.2); and 2 more; short protein forms V304M, V323M, V325M, V354M, V362M, V402M, V425M, V457M.
Identifiers: ClinVar variation 1694067 (VCV001694067.10), dbSNP rs930337550, ClinGen allele CA236512724.

ClinVar aggregate classification (germline): Uncertain significance. Review status: criteria provided, multiple submitters, no conflicts (2 of 4 stars). 4 submissions from 4 submitters: Uncertain significance (4). Last evaluated 2024-12-12.

Conditions:
Inborn genetic diseases. Identifiers: MedGen C0950123, MeSH D030342.
Glycogen storage disease, type VII (GSD7). Also called: GSD VII; MUSCLE PHOSPHOFRUCTOKINASE DEFICIENCY; PFKM DEFICIENCY; TARUI DISEASE. Identifiers: Orphanet 371, MedGen C0017926, MONDO:0009295, OMIM 232800.

Allele frequency attached by ClinVar (database versions not stated): gnomAD exomes 0.00001; gnomAD 0.00005 and 0.00006; TOPMed 0.00012.

Submissions (4):

Revvity Omics, Revvity
Classification: Uncertain significance for Glycogen storage disease, type VII. Last evaluated: 2024-12-12. Review status: criteria provided, single submitter. Criteria: ACMG Guidelines, 2015. Collection method: clinical testing. Allele origin: germline.

Ambry Genetics
Classification: Uncertain significance for Inborn genetic diseases. Last evaluated: 2023-10-24. Review status: criteria provided, single submitter. Criteria: Ambry Variant Classification Scheme 2023. Collection method: clinical testing. Allele origin: germline.

Labcorp Genetics (formerly Invitae), Labcorp
Classification: Uncertain significance for Glycogen storage disease, type VII. Last evaluated: 2022-03-29. Review status: criteria provided, single submitter. Criteria: Invitae Variant Classification Sherloc (09022015). Collection method: clinical testing. Allele origin: germline.
Comment: This sequence change replaces valine, which is neutral and non-polar, with methionine, which is neutral and non-polar, at codon 354 of the PFKM protein (p.Val354Met). This variant is present in population databases (no rsID available, gnomAD 0.1%). This variant has not been reported in the literature in individuals affected with PFKM-related conditions. Algorithms developed to predict the effect of missense changes on protein structure and function output the following: SIFT: "Tolerated"; PolyPhen-2: "Benign"; Align-GVGD: "Class C0". The methionine amino acid residue is found in multiple mammalian species, which suggests that this missense change does not adversely affect protein function. In summary, the available evidence is currently insufficient to determine the role of this variant in disease. Therefore, it has been classified as a Variant of Uncertain Significance.

Mayo Clinic Laboratories, Mayo Clinic
Classification: Uncertain significance. Last evaluated: 2021-09-07. Review status: criteria provided, single submitter. Criteria: ACMG Guidelines, 2015. Collection method: clinical testing. Allele origin: germline.